The following is an entry in ClinVar:

NM_005045.4(RELN):c.5198C>T (p.Pro1733Leu)

Gene: RELN (reelin; minus strand). Cytogenetic location: 7q22.1.
Variant type: single nucleotide variant.
Coding change: c.5198C>T on transcript NM_005045.4 (MANE Select); coding-DNA position 5198, C replaced by T.
Protein change: p.Pro1733Leu; replaces proline 1733 with leucine.
Molecular consequence: missense variant.
Genome position (GRCh38, 1-based): chr7:103,565,290, G>A on the plus strand (C>T on the coding strand, the complement: RELN is on the minus strand). VCF-style: chr7-103565290-G-A. GRCh37 (hg19) VCF-style: chr7-103205737-G-A.
Other names: c.5198C>T, p.Pro1733Leu (NM_173054.3); short protein forms P1733L.
Identifiers: ClinVar variation 2050386 (VCV002050386.4), dbSNP rs766044902, ClinGen allele CA4421309.
Genomic context (GRCh38, chr7:103,565,290, plus strand): 5'-GTGACAGGCACCCAAAGTTCTGACATGTAGCCAAATGACAATTCTCACATGGTGGAGAGT[G>A]GAAGGTAGACAGTGATCCGCTTCCAATTCTGGAATCTTTCCGAGGTGTAAATTGAACTTT-3'
Protein context (NP_005036.2, residues 1723-1743): QNWKRITVYL[Pro1733Leu]LSTISPRTRF

ClinVar aggregate classification (germline): Uncertain significance (1 of 4 stars; one submission).

Conditions:
Familial temporal lobe epilepsy 7. Identifiers: Orphanet 101046, MedGen C4225327, MONDO:0014639, OMIM 616436.
Norman-Roberts syndrome (LIS2). Also called: Lissencephaly 2 (Norman-Roberts type). Identifiers: Orphanet 89844, MedGen C0796089, MONDO:0009760, OMIM 257320.

Allele frequency attached by ClinVar (database versions not stated): gnomAD exomes below 0.00001; ExAC 0.00001.
gnomAD v4.1: 1 of 1,614,150 alleles (0.000062%); highest among the groups gnomAD compares: South Asian, 0.0011%; no homozygotes.

Submission:

Labcorp Genetics (formerly Invitae), Labcorp
Classification: Uncertain significance for Familial temporal lobe epilepsy 7; Norman-Roberts syndrome. Last evaluated: 2022-03-02. Review status: criteria provided, single submitter. Criteria: Invitae Variant Classification Sherloc (09022015). Collection method: clinical testing. Allele origin: germline.
Comment: This sequence change replaces proline, which is neutral and non-polar, with leucine, which is neutral and non-polar, at codon 1733 of the RELN protein (p.Pro1733Leu). This variant is present in population databases (rs766044902, gnomAD 0.003%). This variant has not been reported in the literature in individuals affected with RELN-related conditions. Algorithms developed to predict the effect of missense changes on protein structure and function are either unavailable or do not agree on the potential impact of this missense change (SIFT: "Deleterious"; PolyPhen-2: "Probably Damaging"; Align-GVGD: "Class C0"). In summary, the available evidence is currently insufficient to determine the role of this variant in disease. Therefore, it has been classified as a Variant of Uncertain Significance.